The following is an entry in ClinVar:

ClinVar aggregate classification (germline): Conflicting classifications of pathogenicity. Review status: criteria provided, conflicting classifications (1 of 4 stars). 8 submissions from 8 submitters: Uncertain significance (1); Benign (1); Likely benign (6). Last evaluated 2026-02-03.

Conditions:
Birt-Hogg-Dube syndrome. Also called: Birt Hogg Dubé syndrome. Identifiers: Orphanet 122, MedGen C0346010, MONDO:0800444.
Colorectal cancer. Also called: Colorectal cancer, somatic; Malignant Colorectal Neoplasm. Identifiers: MedGen C0346629, MONDO:0005575, OMIM 114500.
Familial spontaneous pneumothorax (PSP). Identifiers: Orphanet 2903, MedGen C1868193, MONDO:0008259, OMIM 173600.
17p11.2 microduplication syndrome (PTLS). Also called: CHROMOSOME 17p11.2 DUPLICATION SYNDROME; Potocki-Lupski syndrome; Duplication 17p11.2 syndrome; Potocki-Lupski syndrome (dup(17)(p11.2p11.2)). Identifiers: Orphanet 1713, MedGen C2931246, MONDO:0012574, OMIM 610883.
Nonpapillary renal cell carcinoma. Identifiers: Orphanet 422526, MedGen CN074294, MONDO:0007763, OMIM 144700.
Birt-Hogg-Dube syndrome 1 (BHD1). Also called: FIBROFOLLICULOMAS WITH TRICHODISCOMAS AND ACROCHORDONS. Identifiers: Orphanet 122, MedGen CN375946, MONDO:0800445, OMIM 135150.
Hereditary cancer-predisposing syndrome. Also called: Tumor predisposition; Hereditary neoplastic syndrome; Neoplastic Syndromes, Hereditary; Hereditary Cancer Syndrome. Identifiers: Orphanet 140162, MedGen C0027672, MeSH D009386, MONDO:0015356.

Allele frequency attached by ClinVar (database versions not stated): ExAC 0.00025; gnomAD exomes 0.00030; gnomAD 0.00035 and 0.00037; TOPMed 0.00036; ESP Exome Variant Server 0.00054.
gnomAD v4.1: 1,199 of 1,613,978 alleles (0.074%); highest among the groups gnomAD compares: Non-Finnish European, 0.099%; no homozygotes.

Submissions (8):

Labcorp Genetics (formerly Invitae), Labcorp
Classification: Likely benign for Birt-Hogg-Dube syndrome. Last evaluated: 2026-02-03. Review status: criteria provided, single submitter. Criteria: Invitae Variant Classification Sherloc (09022015). Collection method: clinical testing. Allele origin: germline.

Center for Genomic Medicine, Rigshospitalet, Copenhagen University Hospital
Classification: Likely benign. Last evaluated: 2025-03-04. Review status: criteria provided, single submitter. Criteria: ACMG Guidelines, 2015. Collection method: clinical testing. Allele origin: germline.

Blueprint Genetics
Classification: Likely benign. Last evaluated: 2024-11-25. Review status: criteria provided, single submitter. Criteria: ACMG Guidelines, 2015. Collection method: clinical testing. Allele origin: germline.

Myriad Genetics, Inc.
Classification: Benign for Birt-Hogg-Dube syndrome 1. Last evaluated: 2024-10-23. Review status: criteria provided, single submitter. Criteria: Myriad Autosomal Dominant, Autosomal Recessive and X-Linked Classification Criteria (2023). Collection method: clinical testing. Allele origin: unknown.
Comment: This variant is considered benign. This variant is intronic and is not expected to impact mRNA splicing. This variant has been observed at a population frequency that is significantly greater than expected given the associated disease prevalence and penetrance.

Molecular Diagnostics Laboratory, Catalan Institute of Oncology
Classification: Uncertain significance for Hereditary cancer-predisposing syndrome. Last evaluated: 2024-10-22. Review status: criteria provided, single submitter. Criteria: ACMG Guidelines, 2015. Collection method: clinical testing. Allele origin: germline.
Comment: BP4 FLCN c.619-20C>T is an intronic variant located close to a canonical acceptor splice site. This variant is found in 88/268280 alleles at a frequency of 0.033% in the gnomAD v2.1.1 database, non-cancer dataset. The SpliceAI algorithm predicts no significant impact on splicing (BP4). To our knowledge, neither relevant clinical data nor well-established functional studies have been reported for this variant. In addition, the variant has been identified in the ClinVar (5x likely benign) and LOVD (1x likely benign) databases. Based on currently available information, the variant c.619-20C>T should be considered an uncertain significance variant.

Fulgent Genetics
Classification: Likely benign for Colorectal cancer; Birt-Hogg-Dube syndrome 1; Nonpapillary renal cell carcinoma; Familial spontaneous pneumothorax; 17p11.2 microduplication syndrome. Last evaluated: 2021-08-03. Review status: criteria provided, single submitter. Criteria: ACMG Guidelines, 2015. Collection method: clinical testing. Allele origin: unknown.

ARUP Laboratories, Molecular Genetics and Genomics, ARUP Laboratories
Classification: Likely benign. Last evaluated: 2021-07-05. Review status: criteria provided, single submitter. Criteria: ARUP Molecular Germline Variant Investigation Process 2021. Collection method: clinical testing. Allele origin: germline.

PreventionGenetics, part of Exact Sciences
Classification: Likely benign. Review status: criteria provided, single submitter. Criteria: ACMG Guidelines, 2015. Collection method: clinical testing. Allele origin: germline.

NM_144997.7(FLCN):c.619-20C>T

Gene: FLCN (folliculin; minus strand). Cytogenetic location: 17p11.2.
Variant type: single nucleotide variant.
Coding change: c.619-20C>T on transcript NM_144997.7 (MANE Select); 20 bases into the intron before coding-DNA position 619, C replaced by T.
Molecular consequence: intron variant.
Genome position (GRCh38, 1-based): chr17:17,222,681, G>A on the plus strand (C>T on the coding strand, the complement: FLCN is on the minus strand). VCF-style: chr17-17222681-G-A. GRCh37 (hg19) VCF-style: chr17-17125995-G-A.
Other names: c.619-20C>T (NM_144606.7, NM_001353230.2, NM_001353231.2 and 1 more transcripts); c.673-20C>T (NM_001353229.2).
Identifiers: ClinVar variation 137384 (VCV000137384.27), dbSNP rs202217257, ClinGen allele CA290941.